The following is an entry in ClinVar:

ClinVar aggregate classification (germline): Uncertain significance (1 of 4 stars; one submission).

Conditions:
Familial intrahepatic cholestasis. Identifiers: Orphanet 284385, MedGen CN296401, MONDO:0017290.

Submission:

Genomenon, Inc
Classification: Uncertain significance for Familial intrahepatic cholestasis. Last evaluated: 2026-04-14. Review status: criteria provided, single submitter. Criteria: Genomenon Sequence Variant Interpretation Standards - Updated. Collection method: curation. Allele origin: germline. Affected: yes.
Comment: ABCB4 p.Leu575Pro (c.1724T>C) is a missense variant that changes the amino acid at residue 575 from Leucine to Proline. This variant has been observed in at least one proband with an ABCB4-related disorder (PMID:41165782). It is absent or not present at a significant frequency in gnomAD. In silico models predict that this variant is possibly or probably damaging. In conclusion, we classify ABCB4 p.Leu575Pro (c.1724T>C) as a variant of uncertain significance.

Literature cited by the submitters: PubMed 41165782.

NM_000443.4(ABCB4):c.1724T>C (p.Leu575Pro)

Gene: ABCB4 (ATP binding cassette subfamily B member 4; minus strand). Cytogenetic location: 7q21.12.
Variant type: single nucleotide variant.
Coding change: c.1724T>C on transcript NM_000443.4 (MANE Select); coding-DNA position 1724, T replaced by C.
Protein change: p.Leu575Pro; replaces leucine 575 with proline.
Molecular consequence: missense variant.
Genome position (GRCh38, 1-based): chr7:87,439,674, A>G on the plus strand (T>C on the coding strand, the complement: ABCB4 is on the minus strand). VCF-style: chr7-87439674-A-G. GRCh37 (hg19) VCF-style: chr7-87068990-A-G.
Other names: c.1724T>C, p.Leu575Pro (NM_018850.3, NM_018849.3); short protein forms L575P.
Identifiers: ClinVar variation 4846542 (VCV004846542.1).
Genomic context (GRCh38, chr7:87,439,674, plus strand): 5'-ATCTTCAATAGGTTTCAATGTGGTGGTCCTTCAGCTTTTTAGAGTCTACTGACCTTATCC[A>G]GAGCTGCCTGTACCTCAGCTTCACTTTCTGTGTCCAATGCTGACGTGGCCTCATCCAGCA-3'
Protein context (NP_000434.1, residues 565-585): TESEAEVQAA[Leu575Pro]DKAREGRTTI